The following is an entry in ClinVar:

NM_001323289.2(CDKL5):c.65-1G>A

Gene: CDKL5 (cyclin dependent kinase like 5; plus strand). Cytogenetic location: Xp22.13.
Variant type: single nucleotide variant.
Coding change: c.65-1G>A on transcript NM_001323289.2 (MANE Select); the canonical splice acceptor site of the intron before coding-DNA position 65, G replaced by A.
Molecular consequence: splice acceptor variant.
Genome position (GRCh38, 1-based): chrX:18,510,819, G>A. VCF-style: chrX-18510819-G-A. GRCh37 (hg19) VCF-style: chrX-18528939-G-A.
Other names: c.65-1G>A (NM_003159.3, NM_001037343.2).
Identifiers: ClinVar variation 432220 (VCV000432220.2), dbSNP rs1555940533, ClinGen allele CA412489761.

ClinVar aggregate classification (germline): Pathogenic (1 of 4 stars; one submission).

Submission:

GeneDx
Classification: Pathogenic. Last evaluated: 2017-05-31. Review status: criteria provided, single submitter. Criteria: GeneDx Variant Classification (06012015). Collection method: clinical testing. Allele origin: germline. Affected: yes.
Comment: The c.65-1 G>A variant has not been published as a pathogenic variant, nor has it been reported as a benign variant to our knowledge. It was not observed in approximately 6,500 individuals of European and African American ancestry in the NHLBI Exome Sequencing Project, indicating it is not a common benign variant in these populations. Multiple in silico models predict c.65-1 G>A destroys the canonical splice acceptor site in intron 2, and is expected to cause abnormal gene splicing.